The following is an entry in ClinVar:

NM_000136.3(FANCC):c.1534-5T>C

Genes: AOPEP (aminopeptidase O (putative); plus strand), FANCC (FA complementation group C; minus strand). Cytogenetic location: 9q22.32.
Variant type: single nucleotide variant.
Coding change: c.1534-5T>C on transcript NM_000136.3 (MANE Select); 5 bases into the intron before coding-DNA position 1534, T replaced by C.
Molecular consequence: intron variant.
Genome position (GRCh38, 1-based): chr9:95,101,855, A>G on the plus strand (T>C on the coding strand, the complement: FANCC is on the minus strand). VCF-style: chr9-95101855-A-G. GRCh37 (hg19) VCF-style: chr9-97864137-A-G.
Other names: c.1534-5T>C (NM_001243743.2, NM_000136.2).
Identifiers: ClinVar variation 1542613 (VCV001542613.9), dbSNP rs730881727, ClinGen allele CA2573144782.

ClinVar aggregate classification (germline): Conflicting classifications of pathogenicity. Review status: criteria provided, conflicting classifications (1 of 4 stars). 2 submissions from 2 submitters: Uncertain significance (1); Likely benign (1). Last evaluated 2023-02-28.

Conditions:
Hereditary cancer-predisposing syndrome. Also called: Hereditary Cancer Syndrome; Tumor predisposition; Neoplastic Syndromes, Hereditary; Hereditary neoplastic syndrome. Identifiers: Orphanet 140162, MedGen C0027672, MeSH D009386, MONDO:0015356.
Fanconi anemia (FA). Also called: Fanconi's anemia. Identifiers: Orphanet 84, MedGen C0015625, MeSH D005199, MONDO:0019391.

Submissions (2):

Ambry Genetics
Classification: Uncertain significance for Hereditary cancer-predisposing syndrome. Last evaluated: 2023-02-28. Review status: criteria provided, single submitter. Criteria: Ambry Variant Classification Scheme 2023. Collection method: clinical testing. Allele origin: germline.
Comment: The c.1534-5T>C intronic variant results from a T to C substitution 5 nucleotides upstream from coding exon 14 in the FANCC gene. This nucleotide position is well conserved in available vertebrate species. In silico splice site analysis for this alteration is inconclusive. Since supporting evidence is limited at this time, the clinical significance of this alteration remains unclear.

Labcorp Genetics (formerly Invitae), Labcorp
Classification: Likely benign for Fanconi anemia. Last evaluated: 2022-02-10. Review status: criteria provided, single submitter. Criteria: Invitae Variant Classification Sherloc (09022015). Collection method: clinical testing. Allele origin: germline.